The following is an entry in ClinVar:

ClinVar aggregate classification (germline): Uncertain significance (1 of 4 stars; one submission).

Allele frequency attached by ClinVar (database versions not stated): gnomAD 0.00001; ExAC 0.00002; gnomAD exomes 0.00002; TOPMed 0.00002; ESP Exome Variant Server 0.00008.
gnomAD v4.1: 28 of 1,596,208 alleles (0.0018%); highest among the groups gnomAD compares: African/African-American, 0.0027%; no homozygotes.

Submission:

Labcorp Genetics (formerly Invitae), Labcorp
Classification: Uncertain significance. Last evaluated: 2023-12-21. Review status: criteria provided, single submitter. Criteria: Invitae Variant Classification Sherloc (09022015). Collection method: clinical testing. Allele origin: germline.
Comment: This sequence change replaces arginine, which is basic and polar, with histidine, which is basic and polar, at codon 121 of the LIG1 protein (p.Arg121His). This variant is present in population databases (rs377155700, gnomAD 0.006%). This variant has not been reported in the literature in individuals affected with LIG1-related conditions. An algorithm developed to predict the effect of missense changes on protein structure and function (PolyPhen-2) suggests that this variant is likely to be disruptive. In summary, the available evidence is currently insufficient to determine the role of this variant in disease. Therefore, it has been classified as a Variant of Uncertain Significance.

NM_000234.3(LIG1):c.362G>A (p.Arg121His)

Gene: LIG1 (DNA ligase 1; minus strand). Cytogenetic location: 19q13.33.
Variant type: single nucleotide variant.
Coding change: c.362G>A on transcript NM_000234.3 (MANE Select); coding-DNA position 362, G replaced by A.
Protein change: p.Arg121His; replaces arginine 121 with histidine.
Molecular consequence: missense variant. On other transcripts: non-coding transcript variant (6).
Genome position (GRCh38, 1-based): chr19:48,157,022, C>T on the plus strand (G>A on the coding strand, the complement: LIG1 is on the minus strand). VCF-style: chr19-48157022-C-T. GRCh37 (hg19) VCF-style: chr19-48660279-C-T.
Other names: c.272G>A, p.Arg91His (NM_001289063.2, NM_001320971.2); c.362G>A, p.Arg121His (NM_001289064.2, NM_001320970.2); short protein forms R91H, R121H.
Identifiers: ClinVar variation 2987145 (VCV002987145.3), dbSNP rs377155700, ClinGen allele CA9547341.
Genomic context (GRCh38, chr19:48,157,022, plus strand): 5'-AGAGAAAAAGAAAGGCAGGCGACTGAAGGGGCAGGGGCCCGTGTGTTCTCACCTGTGCGA[C>T]GCTTCGGAATCCCTGATGGGGAACTGTCCATGGGAGAGGTGTCAGAGAGGGAAGCATTGT-3'
Protein context (NP_000225.1, residues 111-131): MDSSPSGIPK[Arg121His]RTARKQLPKR